The following is an entry in ClinVar:

ClinVar aggregate classification (germline): Uncertain significance. Review status: criteria provided, multiple submitters, no conflicts (2 of 4 stars). 2 submissions from 2 submitters: Uncertain significance (2). Last evaluated 2025-12-30.

Conditions:
Pitt-Hopkins-like syndrome 2 (PTHSL2). Identifiers: Orphanet 221150, Orphanet 600663, MedGen C3280479, MONDO:0013690, OMIM 614325.

Allele frequency attached by ClinVar (database versions not stated): TOPMed 0.00003; gnomAD 0.00005 and 0.00006.
gnomAD v4.1: 14 of 1,574,936 alleles (0.00089%); highest among the groups gnomAD compares: African/African-American, 0.013%; no homozygotes.

Submissions (2):

Labcorp Genetics (formerly Invitae), Labcorp
Classification: Uncertain significance for Pitt-Hopkins-like syndrome 2. Last evaluated: 2025-12-30. Review status: criteria provided, single submitter. Criteria: Invitae Variant Classification Sherloc (09022015). Collection method: clinical testing. Allele origin: germline.
Comment: This sequence change replaces asparagine, which is neutral and polar, with serine, which is neutral and polar, at codon 293 of the NRXN1 protein (p.Asn293Ser). The frequency data for this variant in the population databases is considered unreliable, as metrics indicate poor data quality at this position in the gnomAD database. This variant has not been reported in the literature in individuals affected with NRXN1-related conditions. ClinVar contains an entry for this variant (Variation ID: 595504). An algorithm developed to predict the effect of missense changes on protein structure and function outputs the following: PolyPhen-2: "Benign". The serine amino acid residue is found in multiple mammalian species, which suggests that this missense change does not adversely affect protein function. In summary, the available evidence is currently insufficient to determine the role of this variant in disease. Therefore, it has been classified as a Variant of Uncertain Significance.

Eurofins Ntd Llc (ga)
Classification: Uncertain significance. Last evaluated: 2018-01-16. Review status: criteria provided, single submitter. Criteria: EGL Classification Definitions 2015. Collection method: clinical testing. Allele origin: germline. Observed: 1 variant allele, 1 heterozygote.

NM_001330078.2(NRXN1):c.779A>G (p.Asn260Ser)

Gene: NRXN1 (neurexin 1; minus strand). Cytogenetic location: 2p16.3.
Variant type: single nucleotide variant.
Coding change: c.779A>G on transcript NM_001330078.2 (MANE Select); coding-DNA position 779, A replaced by G.
Protein change: p.Asn260Ser; replaces asparagine 260 with serine.
Molecular consequence: missense variant. On other transcripts: intron variant (6).
Genome position (GRCh38, 1-based): chr2:50,925,949, T>C on the plus strand (A>G on the coding strand, the complement: NRXN1 is on the minus strand). VCF-style: chr2-50925949-T-C. GRCh37 (hg19) VCF-style: chr2-51153087-T-C.
Other names: c.878A>G, p.Asn293Ser (NM_001135659.3); c.779A>G, p.Asn260Ser (NM_001330077.2, NM_001330081.2, NM_001330082.2 and 6 more transcripts); c.776A>G, p.Asn259Ser (NM_001330079.2, NM_001330093.2); c.772+101553A>G (NM_001330096.2, NM_001330087.2, NM_001330083.2 and 1 more transcripts); c.773-3262A>G (NM_001330088.2, NM_001330089.2); short protein forms N293S, N259S, N260S.
Identifiers: ClinVar variation 595504 (VCV000595504.16), dbSNP rs779434583, ClinGen allele CA48023808.